The following is an entry in ClinVar:

NM_130384.3(ATRIP):c.1949C>T (p.Thr650Ile)

Genes: ATRIP (ATR interacting protein; plus strand), ATRIP-TREX1 (ATRIP-TREX1 readthrough; plus strand). Cytogenetic location: 3p21.31.
Variant type: single nucleotide variant.
Coding change: c.1949C>T on transcript NM_130384.3 (MANE Select); coding-DNA position 1949, C replaced by T.
Protein change: p.Thr650Ile; replaces threonine 650 with isoleucine.
Molecular consequence: missense variant. On other transcripts: non-coding transcript variant (1).
Genome position (GRCh38, 1-based): chr3:48,464,107, C>T. VCF-style: chr3-48464107-C-T. GRCh37 (hg19) VCF-style: chr3-48505506-C-T.
Other names: c.1568C>T, p.Thr523Ile (NM_001271022.2); c.1670C>T, p.Thr557Ile (NM_001271023.2); c.1949C>T, p.Thr650Ile (NM_032166.4); short protein forms T557I, T650I, T523I.
Identifiers: ClinVar variation 3976117 (VCV003976117.1).

ClinVar aggregate classification (germline): Uncertain significance (1 of 4 stars; one submission).

Submission:

Ambry Genetics
Classification: Uncertain significance. Last evaluated: 2025-04-14. Review status: criteria provided, single submitter. Criteria: Ambry Variant Classification Scheme 2023. Collection method: clinical testing. Allele origin: germline.
Comment: The p.T650I variant (also known as c.1949C>T), located in coding exon 10 of the ATRIP gene, results from a C to T substitution at nucleotide position 1949. The threonine at codon 650 is replaced by isoleucine, an amino acid with similar properties. This amino acid position is conserved. In addition, this alteration is predicted to be tolerated by in silico analysis. Based on the available evidence, the clinical significance of this variant remains unclear.